The following is an entry in ClinVar:

NM_177438.3(DICER1):c.746A>G (p.Gln249Arg)

Gene: DICER1 (dicer 1, ribonuclease III; minus strand). Cytogenetic location: 14q32.13.
Variant type: single nucleotide variant.
Coding change: c.746A>G on transcript NM_177438.3 (MANE Select); coding-DNA position 746, A replaced by G.
Protein change: p.Gln249Arg; replaces glutamine 249 with arginine.
Molecular consequence: missense variant.
Genome position (GRCh38, 1-based): chr14:95,126,737, T>C on the plus strand (A>G on the coding strand, the complement: DICER1 is on the minus strand). VCF-style: chr14-95126737-T-C. GRCh37 (hg19) VCF-style: chr14-95593074-T-C.
Other names: c.746A>G (NM_177438.2); c.746A>G, p.Gln249Arg (NM_001195573.1, NM_001271282.3, NM_001291628.2 and 1 more transcripts); short protein forms Q249R.
Identifiers: ClinVar variation 1042587 (VCV001042587.11), dbSNP rs776934552, ClinGen allele CA7331571.

ClinVar aggregate classification (germline): Uncertain significance. Review status: criteria provided, multiple submitters, no conflicts (2 of 4 stars). 2 submissions from 2 submitters: Uncertain significance (2). Last evaluated 2025-07-29.

Conditions:
DICER1-related tumor predisposition. Also called: DICER1 syndrome; DICER1-related pleuropulmonary blastoma cancer predisposition syndrome. Identifiers: Orphanet 284343, MedGen C3839822, MONDO:0100216.
Hereditary cancer-predisposing syndrome. Also called: Hereditary neoplastic syndrome; Neoplastic Syndromes, Hereditary; Tumor predisposition; Hereditary Cancer Syndrome. Identifiers: Orphanet 140162, MedGen C0027672, MeSH D009386, MONDO:0015356.

Allele frequency attached by ClinVar (database versions not stated): ExAC 0.00001; gnomAD exomes 0.00001.

Submissions (2):

Ambry Genetics
Classification: Uncertain significance for Hereditary cancer-predisposing syndrome. Last evaluated: 2025-07-29. Review status: criteria provided, single submitter. Criteria: Ambry Variant Classification Scheme 2023. Collection method: clinical testing. Allele origin: germline.
Comment: The p.Q249R variant (also known as c.746A>G), located in coding exon 6 of the DICER1 gene, results from an A to G substitution at nucleotide position 746. The glutamine at codon 249 is replaced by arginine, an amino acid with highly similar properties. This amino acid position is conserved. In addition, the in silico prediction for this alteration is inconclusive. Based on the available evidence, the clinical significance of this variant remains unclear.

Labcorp Genetics (formerly Invitae), Labcorp
Classification: Uncertain significance for DICER1-related tumor predisposition. Last evaluated: 2020-07-23. Review status: criteria provided, single submitter. Criteria: Invitae Variant Classification Sherloc (09022015). Collection method: clinical testing. Allele origin: germline.
Comment: In summary, the available evidence is currently insufficient to determine the role of this variant in disease. Therefore, it has been classified as a Variant of Uncertain Significance. Algorithms developed to predict the effect of missense changes on protein structure and function are either unavailable or do not agree on the potential impact of this missense change (SIFT: "Tolerated"; PolyPhen-2: "Possibly Damaging"; Align-GVGD: "Class C0"). This variant has not been reported in the literature in individuals with DICER1-related conditions. This variant is present in population databases (rs776934552, ExAC 0.006%). This sequence change replaces glutamine with arginine at codon 249 of the DICER1 protein (p.Gln249Arg). The glutamine residue is highly conserved and there is a small physicochemical difference between glutamine and arginine.